The following is an entry in ClinVar:

NM_020693.4(DSCAML1):c.3772G>A (p.Gly1258Ser)

Gene: DSCAML1 (DS cell adhesion molecule like 1; minus strand). Cytogenetic location: 11q23.3.
Variant type: single nucleotide variant.
Coding change: c.3772G>A on transcript NM_020693.4 (MANE Select); coding-DNA position 3772, G replaced by A.
Protein change: p.Gly1258Ser; replaces glycine 1258 with serine.
Molecular consequence: missense variant.
Genome position (GRCh38, 1-based): chr11:117,443,976, C>T on the plus strand (G>A on the coding strand, the complement: DSCAML1 is on the minus strand). VCF-style: chr11-117443976-C-T. GRCh37 (hg19) VCF-style: chr11-117314692-C-T.
Other names: short protein forms G1258S.
Identifiers: ClinVar variation 1902639 (VCV001902639.5), dbSNP rs773624982, ClinGen allele CA6296586.

ClinVar aggregate classification (germline): Uncertain significance (1 of 4 stars; one submission).

Allele frequency attached by ClinVar (database versions not stated): TOPMed below 0.00001; gnomAD 0.00001; ExAC 0.00002; gnomAD exomes 0.00003.
gnomAD v4.1: 48 of 1,613,784 alleles (0.003%); highest among the groups gnomAD compares: Non-Finnish European, 0.0039%; no homozygotes.

Submission:

Labcorp Genetics (formerly Invitae), Labcorp
Classification: Uncertain significance. Last evaluated: 2021-12-08. Review status: criteria provided, single submitter. Criteria: Invitae Variant Classification Sherloc (09022015). Collection method: clinical testing. Allele origin: germline.
Comment: This sequence change replaces glycine, which is neutral and non-polar, with serine, which is neutral and polar, at codon 1318 of the DSCAML1 protein (p.Gly1318Ser). This variant is present in population databases (rs773624982, gnomAD 0.003%). This variant has not been reported in the literature in individuals affected with DSCAML1-related conditions. Algorithms developed to predict the effect of missense changes on protein structure and function (SIFT, PolyPhen-2, Align-GVGD) all suggest that this variant is likely to be tolerated. Algorithms developed to predict the effect of sequence changes on RNA splicing suggest that this variant may create or strengthen a splice site. In summary, the available evidence is currently insufficient to determine the role of this variant in disease. Therefore, it has been classified as a Variant of Uncertain Significance.